The following is an entry in ClinVar:

NM_017813.5(BPNT2):c.935G>C (p.Gly312Ala)

Gene: BPNT2 (3'(2'), 5'-bisphosphate nucleotidase 2; minus strand). Cytogenetic location: 8q12.1.
Variant type: single nucleotide variant.
Coding change: c.935G>C on transcript NM_017813.5 (MANE Select); coding-DNA position 935, G replaced by C.
Protein change: p.Gly312Ala; replaces glycine 312 with alanine.
Molecular consequence: missense variant.
Genome position (GRCh38, 1-based): chr8:56,963,938, C>G on the plus strand (G>C on the coding strand, the complement: BPNT2 is on the minus strand). VCF-style: chr8-56963938-C-G. GRCh37 (hg19) VCF-style: chr8-57876497-C-G.
Other names: short protein forms G312A.
Identifiers: ClinVar variation 3605212 (VCV003605212.2).
Genomic context (GRCh38, chr8:56,963,938, plus strand): 5'-TCAATGCCGTCTGAACCAGTGTAACTGATTTCTTCACCACTCAGGGTAGTCATATGCCCC[C>G]CTAGGGCTTTTAAGATGGCATTACCAGCACATATATCCCACTTTTTGATGTATGTCACAT-3'
Protein context (NP_060283.3, residues 302-322): CAGNAILKAL[Gly312Ala]GHMTTLSGEE

ClinVar aggregate classification (germline): Uncertain significance (1 of 4 stars; one submission).

gnomAD v4.1: 17 of 1,613,906 alleles (0.0011%); highest among the groups gnomAD compares: African/African-American, 0.008%; no homozygotes.

Submission:

Labcorp Genetics (formerly Invitae), Labcorp
Classification: Uncertain significance. Last evaluated: 2024-10-12. Review status: criteria provided, single submitter. Criteria: Invitae Variant Classification Sherloc (09022015). Collection method: clinical testing. Allele origin: germline.
Comment: This sequence change replaces glycine, which is neutral and non-polar, with alanine, which is neutral and non-polar, at codon 312 of the IMPAD1 protein (p.Gly312Ala). This variant is present in population databases (rs370198289, gnomAD 0.01%). This variant has not been reported in the literature in individuals affected with IMPAD1-related conditions. An algorithm developed to predict the effect of missense changes on protein structure and function (PolyPhen-2) suggests that this variant is likely to be disruptive. In summary, the available evidence is currently insufficient to determine the role of this variant in disease. Therefore, it has been classified as a Variant of Uncertain Significance.